The following is an entry in ClinVar:

ClinVar aggregate classification (germline): Uncertain significance. Review status: criteria provided, multiple submitters, no conflicts (2 of 4 stars). 6 submissions from 5 submitters: Uncertain significance (5). 1 of the submissions does not count toward it. Last evaluated 2024-08-28.

Conditions:
Retinitis pigmentosa 39 (RP39). Identifiers: Orphanet 791, MedGen C3151138, MONDO:0013436, OMIM 613809.
Usher syndrome type 2A. Also called: RETINAL DISEASE IN USHER SYNDROME TYPE IIA, MODIFIER OF; USHER SYNDROME, TYPE IIA. Identifiers: Orphanet 231178, Orphanet 886, MedGen C1848634, MONDO:0010169, OMIM 276901.

Allele frequency attached by ClinVar (database versions not stated): ExAC 0.00002; TOPMed 0.00002; gnomAD 0.00003; ESP Exome Variant Server 0.00008.
gnomAD v4.1: 14 of 1,613,826 alleles (0.00087%); highest among the groups gnomAD compares: Admixed American, 0.0017%; no homozygotes.

Submissions (6):

Blueprint Genetics
Classification: Uncertain significance. Last evaluated: 2024-08-28. Review status: criteria provided, single submitter. Criteria: ACMG Guidelines, 2015. Collection method: clinical testing. Allele origin: germline.

Genome-Nilou Lab
Classification: Uncertain significance for Retinitis pigmentosa 39. Last evaluated: 2023-11-04. Review status: criteria provided, single submitter. Criteria: ACMG Guidelines, 2015. Collection method: clinical testing. Allele origin: germline. Affected: no.

Genome-Nilou Lab
Classification: Uncertain significance for Usher syndrome type 2A. Last evaluated: 2023-11-04. Review status: criteria provided, single submitter. Criteria: ACMG Guidelines, 2015. Collection method: clinical testing. Allele origin: germline. Affected: no.

Women's Health and Genetics/Laboratory Corporation of America, LabCorp
Classification: Uncertain significance. Last evaluated: 2023-07-06. Review status: criteria provided, single submitter. Criteria: LabCorp Variant Classification Summary - May 2015. Collection method: clinical testing. Allele origin: germline.
Comment: Variant summary: USH2A c.13832C>T (p.Ala4611Val) results in a non-conservative amino acid change located in the Fibronectin type III (IPR003961) of the encoded protein sequence. Four of five in-silico tools predict a damaging effect of the variant on protein function. The variant allele was found at a frequency of 1.2e-05 in 250830 control chromosomes (gnomAD). The available data on variant occurrences in the general population are insufficient to allow any conclusion about variant significance. c.13832C>T has been reported in the literature in an individual affected with Usher Syndrome in cis with a small in-frame deletion variant, and no variant detected in trans (Nakanishi_2009). This report does not provide unequivocal conclusions about association of the variant with Usher Syndrome. To our knowledge, no experimental evidence demonstrating an impact on protein function has been reported. The following publication has been ascertained in the context of this evaluation (PMID: 19737284). Two submitters have cited clinical-significance assessments for this variant to ClinVar after 2014, and classified the variant as uncertain significance. Based on the evidence outlined above, the variant was classified as uncertain significance.

Labcorp Genetics (formerly Invitae), Labcorp
Classification: Uncertain significance. Last evaluated: 2022-08-15. Review status: criteria provided, single submitter. Criteria: Invitae Variant Classification Sherloc (09022015). Collection method: clinical testing. Allele origin: germline.
Comment: This sequence change replaces alanine, which is neutral and non-polar, with valine, which is neutral and non-polar, at codon 4611 of the USH2A protein (p.Ala4611Val). This variant is present in population databases (rs376077079, gnomAD 0.007%). This missense change has been observed in individual(s) with Usher syndrome (PMID: 19737284). ClinVar contains an entry for this variant (Variation ID: 999829). Algorithms developed to predict the effect of missense changes on protein structure and function output the following: SIFT: "Deleterious"; PolyPhen-2: "Probably Damaging"; Align-GVGD: "Class C55". The valine amino acid residue is found in multiple mammalian species, which suggests that this missense change does not adversely affect protein function. Algorithms developed to predict the effect of sequence changes on RNA splicing suggest that this variant may create or strengthen a splice site. In summary, the available evidence is currently insufficient to determine the role of this variant in disease. Therefore, it has been classified as a Variant of Uncertain Significance.

Natera, Inc.
Classification: Uncertain significance for Usher syndrome type 2A. Last evaluated: 2020-10-21. Review status: no assertion criteria provided. Collection method: clinical testing. Allele origin: germline. Not counted in ClinVar's aggregate classification.

Literature cited by the submitters: PubMed 19737284 (cited by Women's Health and Genetics/Laboratory Corporation of America, LabCorp and Labcorp Genetics (formerly Invitae), Labcorp).

NM_206933.4(USH2A):c.13832C>T (p.Ala4611Val)

Gene: USH2A (usherin; minus strand). Cytogenetic location: 1q41.
Variant type: single nucleotide variant.
Coding change: c.13832C>T on transcript NM_206933.4 (MANE Select); coding-DNA position 13832, C replaced by T.
Protein change: p.Ala4611Val; replaces alanine 4611 with valine.
Molecular consequence: missense variant.
Genome position (GRCh38, 1-based): chr1:215,671,273, G>A on the plus strand (C>T on the coding strand, the complement: USH2A is on the minus strand). VCF-style: chr1-215671273-G-A. GRCh37 (hg19) VCF-style: chr1-215844615-G-A.
Other names: c.13832C>T (NM_206933.2); short protein forms A4611V.
Identifiers: ClinVar variation 999829 (VCV000999829.6), dbSNP rs376077079, ClinGen allele CA1393190.